The following is an entry in ClinVar:

ClinVar aggregate classification (germline): Uncertain significance (1 of 4 stars; one submission).

Allele frequency attached by ClinVar (database versions not stated): gnomAD 0.00004 and 0.00005; gnomAD exomes 0.00005 and 0.00009; TOPMed 0.00005; ExAC 0.00008; ESP Exome Variant Server 0.00026.
gnomAD v4.1: 127 of 1,613,508 alleles (0.0079%); highest among the groups gnomAD compares: Non-Finnish European, 0.0094%; no homozygotes.

Submission:

Labcorp Genetics (formerly Invitae), Labcorp
Classification: Uncertain significance. Last evaluated: 2021-05-28. Review status: criteria provided, single submitter. Criteria: Invitae Variant Classification Sherloc (09022015). Collection method: clinical testing. Allele origin: germline.
Comment: In summary, the available evidence is currently insufficient to determine the role of this variant in disease. Therefore, it has been classified as a Variant of Uncertain Significance. This variant has not been reported in the literature in individuals with DIAPH3-related conditions. Algorithms developed to predict the effect of missense changes on protein structure and function are either unavailable or do not agree on the potential impact of this missense change (SIFT: "Tolerated"; PolyPhen-2: "Possibly Damaging"; Align-GVGD: "Class C0"). This variant is present in population databases (rs200055625, ExAC 0.02%). This sequence change replaces alanine with threonine at codon 314 of the DIAPH3 protein (p.Ala314Thr). The alanine residue is moderately conserved and there is a small physicochemical difference between alanine and threonine.

NM_001042517.2(DIAPH3):c.940G>A (p.Ala314Thr)

Gene: DIAPH3 (diaphanous related formin 3; minus strand). Cytogenetic location: 13q21.2.
Variant type: single nucleotide variant.
Coding change: c.940G>A on transcript NM_001042517.2 (MANE Select); coding-DNA position 940, G replaced by A.
Protein change: p.Ala314Thr; replaces alanine 314 with threonine.
Molecular consequence: missense variant.
Genome position (GRCh38, 1-based): chr13:60,008,618, C>T on the plus strand (G>A on the coding strand, the complement: DIAPH3 is on the minus strand). VCF-style: chr13-60008618-C-T. GRCh37 (hg19) VCF-style: chr13-60582752-C-T.
Other names: c.907G>A, p.Ala303Thr (NM_001258366.2); c.802G>A, p.Ala268Thr (NM_001258367.2); c.730G>A, p.Ala244Thr (NM_001258368.2); c.940G>A, p.Ala314Thr (NM_001258369.2); c.151G>A, p.Ala51Thr (NM_001258370.2, NM_030932.4); short protein forms A303T, A51T, A268T, A244T, A314T.
Identifiers: ClinVar variation 1463492 (VCV001463492.8), dbSNP rs200055625, ClinGen allele CA6996845.